The following is an entry in ClinVar:

NM_006231.4(POLE):c.5614A>T (p.Ile1872Phe)

Gene: POLE (DNA polymerase epsilon, catalytic subunit; minus strand). Cytogenetic location: 12q24.33.
Variant type: single nucleotide variant.
Coding change: c.5614A>T on transcript NM_006231.4 (MANE Select); coding-DNA position 5614, A replaced by T.
Protein change: p.Ile1872Phe; replaces isoleucine 1872 with phenylalanine.
Molecular consequence: missense variant.
Genome position (GRCh38, 1-based): chr12:132,638,078, T>A on the plus strand (A>T on the coding strand, the complement: POLE is on the minus strand). VCF-style: chr12-132638078-T-A. GRCh37 (hg19) VCF-style: chr12-133214664-T-A.
Other names: c.5614A>T (NM_006231.2); short protein forms I1872F.
Identifiers: ClinVar variation 1979676 (VCV001979676.5), dbSNP rs1401309769, ClinGen allele CA387374095.

ClinVar aggregate classification (germline): Uncertain significance. Review status: criteria provided, multiple submitters, no conflicts (2 of 4 stars). 2 submissions from 2 submitters: Uncertain significance (2). Last evaluated 2026-06-22.

Conditions:
Hereditary cancer-predisposing syndrome. Also called: Hereditary neoplastic syndrome; Neoplastic Syndromes, Hereditary; Tumor predisposition; Hereditary Cancer Syndrome. Identifiers: Orphanet 140162, MedGen C0027672, MeSH D009386, MONDO:0015356.

gnomAD v4.1: 1 of 1,613,806 alleles (0.000062%); highest among the groups gnomAD compares: Admixed American, 0.0017%; no homozygotes.

Submissions (2):

Ambry Genetics
Classification: Uncertain significance for Hereditary cancer-predisposing syndrome. Last evaluated: 2026-06-22. Review status: criteria provided, single submitter. Criteria: Ambry Variant Classification Scheme 2023. Collection method: clinical testing. Allele origin: germline.
Comment: The p.I1872F variant (also known as c.5614A>T), located in coding exon 41 of the POLE gene, results from an A to T substitution at nucleotide position 5614. The isoleucine at codon 1872 is replaced by phenylalanine, an amino acid with highly similar properties. This amino acid position is well conserved in available vertebrate species. In addition, this alteration is predicted to be tolerated by in silico analysis. Based on the available evidence, the clinical significance of this variant remains unclear.

Labcorp Genetics (formerly Invitae), Labcorp
Classification: Uncertain significance. Last evaluated: 2025-06-05. Review status: criteria provided, single submitter. Criteria: Invitae Variant Classification Sherloc (09022015). Collection method: clinical testing. Allele origin: germline.
Comment: This sequence change replaces isoleucine, which is neutral and non-polar, with phenylalanine, which is neutral and non-polar, at codon 1872 of the POLE protein (p.Ile1872Phe). This variant is present in population databases (no rsID available, gnomAD 0.003%). This variant has not been reported in the literature in individuals affected with POLE-related conditions. ClinVar contains an entry for this variant (Variation ID: 1979676). Invitae Evidence Modeling of protein sequence and biophysical properties (such as structural, functional, and spatial information, amino acid conservation, physicochemical variation, residue mobility, and thermodynamic stability) indicates that this missense variant is not expected to disrupt POLE protein function with a negative predictive value of 80%. In summary, the available evidence is currently insufficient to determine the role of this variant in disease. Therefore, it has been classified as a Variant of Uncertain Significance.